The following is an entry in ClinVar:

NM_001166114.2(PNPLA6):c.1356C>T (p.Pro452=)

Gene: PNPLA6 (patatin like domain 6, lysophospholipase; plus strand). Cytogenetic location: 19p13.2.
Variant type: single nucleotide variant.
Coding change: c.1356C>T on transcript NM_001166114.2 (MANE Select); coding-DNA position 1356, C replaced by T.
Protein change: p.Pro452=; no amino-acid change (proline 452 retained).
Molecular consequence: synonymous variant.
Genome position (GRCh38, 1-based): chr19:7,542,664, C>T. VCF-style: chr19-7542664-C-T. GRCh37 (hg19) VCF-style: chr19-7607550-C-T.
Other names: c.1383C>T, p.Pro461= (NM_001166111.2); c.1239C>T, p.Pro413= (NM_001166112.2, NM_001166113.1, NM_006702.5); c.1383C>T (NM_001166111.1).
Identifiers: ClinVar variation 1154902 (VCV001154902.11), dbSNP rs776524852, ClinGen allele CA9139776.

ClinVar aggregate classification (germline): Likely benign. Review status: criteria provided, single submitter (1 of 4 stars). 2 submissions from 2 submitters: Likely benign (1). 1 of the submissions does not count toward it. Last evaluated 2024-01-02.

Conditions:
Hereditary spastic paraplegia 39 (SPG39). Also called: SPASTIC PARAPLEGIA 39, AUTOSOMAL RECESSIVE; Spastic Paraplegia Type 39 (SPG39). Identifiers: Orphanet 139480, MedGen C2677586, MONDO:0012787, OMIM 612020.
PNPLA6-related disorder. Also called: PNPLA6-related condition; PNPLA6-related disorders.

Allele frequency attached by ClinVar (database versions not stated): gnomAD 0.00001; ExAC 0.00003.
gnomAD v4.1: 32 of 1,612,852 alleles (0.002%); highest among the groups gnomAD compares: South Asian, 0.0033%; no homozygotes.

Submissions (2):

Labcorp Genetics (formerly Invitae), Labcorp
Classification: Likely benign for Hereditary spastic paraplegia 39. Last evaluated: 2024-01-02. Review status: criteria provided, single submitter. Criteria: Invitae Variant Classification Sherloc (09022015). Collection method: clinical testing. Allele origin: germline.

PreventionGenetics, part of Exact Sciences
Classification: Likely benign for PNPLA6-related condition. Last evaluated: 2019-04-24. Review status: no assertion criteria provided. Collection method: clinical testing. Allele origin: germline. Not counted in ClinVar's aggregate classification.
Comment: This variant is classified as likely benign based on ACMG/AMP sequence variant interpretation guidelines (Richards et al. 2015 PMID: 25741868, with internal and published modifications).